The following is an entry in ClinVar:

NM_002528.7(NTHL1):c.440G>A (p.Arg147Gln)

Gene: NTHL1 (nth like DNA glycosylase 1; minus strand). Cytogenetic location: 16p13.3.
Variant type: single nucleotide variant.
Coding change: c.440G>A on transcript NM_002528.7 (MANE Select); coding-DNA position 440, G replaced by A.
Protein change: p.Arg147Gln; replaces arginine 147 with glutamine.
Molecular consequence: missense variant. On other transcripts: intron variant (1).
Genome position (GRCh38, 1-based): chr16:2,044,715, C>T on the plus strand (G>A on the coding strand, the complement: NTHL1 is on the minus strand). VCF-style: chr16-2044715-C-T. GRCh37 (hg19) VCF-style: chr16-2094716-C-T.
Other names: c.110G>A, p.Arg37Gln (NM_001318194.2); c.355-989G>A (NM_001318193.2); c.440G>A, p.Arg147Gln (LRG_1366t1); short protein forms R37Q, R147Q.
Identifiers: ClinVar variation 641334 (VCV000641334.13), dbSNP rs1431434201, ClinGen allele CA394294327.
Genomic context (GRCh38, chr16:2,044,715, plus strand): 5'-AGCTTGCCCAGCGTGGCATCATCTGTCTGCAGGATGCTGTCCACCGTCAGGCCCCGCGCC[C>T]GCAGTCGCTGCATGGCGCCCGCCGTCACCTGGTCTTTGGTTTGGCTGGAGAGCATCAGTG-3'
Protein context (NP_002519.2, residues 137-157): QVTAGAMQRL[Arg147Gln]ARGLTVDSIL

ClinVar aggregate classification (germline): Uncertain significance. Review status: criteria provided, multiple submitters, no conflicts (2 of 4 stars). 4 submissions from 4 submitters: Uncertain significance (4). Last evaluated 2026-01-06.

Conditions:
Familial adenomatous polyposis 3. Also called: NTHL1-associated polyposis; NTHL1-related attenuated familial adenomatous polyposis; NTHL1-Related Adenomatous Polyposis and Colorectal Cancer; NTHL1 Tumor Syndrome. Identifiers: Orphanet 220460, Orphanet 454840, MedGen C4225157, MONDO:0014630, OMIM 616415.
Hereditary cancer-predisposing syndrome. Also called: Neoplastic Syndromes, Hereditary; Hereditary Cancer Syndrome; Tumor predisposition; Hereditary neoplastic syndrome. Identifiers: Orphanet 140162, MedGen C0027672, MeSH D009386, MONDO:0015356.

Allele frequency attached by ClinVar (database versions not stated): gnomAD 0.00001; gnomAD exomes 0.00001; TOPMed 0.00001.
gnomAD v4.1: 10 of 1,612,336 alleles (0.00062%); highest among the groups gnomAD compares: East Asian, 0.0022%; no homozygotes.

Submissions (4):

Labcorp Genetics (formerly Invitae), Labcorp
Classification: Uncertain significance. Last evaluated: 2026-01-06. Review status: criteria provided, single submitter. Criteria: Invitae Variant Classification Sherloc (09022015). Collection method: clinical testing. Allele origin: germline.
Comment: This sequence change replaces arginine, which is basic and polar, with glutamine, which is neutral and polar, at codon 155 of the NTHL1 protein (p.Arg155Gln). This variant is present in population databases (no rsID available, gnomAD 0.003%). This variant has not been reported in the literature in individuals affected with NTHL1-related conditions. ClinVar contains an entry for this variant (Variation ID: 641334). An algorithm developed to predict the effect of missense changes on protein structure and function (PolyPhen-2) suggests that this variant is likely to be tolerated. In summary, the available evidence is currently insufficient to determine the role of this variant in disease. Therefore, it has been classified as a Variant of Uncertain Significance.

Ambry Genetics
Classification: Uncertain significance for Hereditary cancer-predisposing syndrome. Last evaluated: 2024-10-09. Review status: criteria provided, single submitter. Criteria: Ambry Variant Classification Scheme 2023. Collection method: clinical testing. Allele origin: germline.

Baylor Genetics
Classification: Uncertain significance for Familial adenomatous polyposis 3. Last evaluated: 2024-03-26. Review status: criteria provided, single submitter. Criteria: ACMG Guidelines, 2015. Collection method: clinical testing. Allele origin: unknown.

GeneDx
Classification: Uncertain significance. Last evaluated: 2020-08-31. Review status: criteria provided, single submitter. Criteria: GeneDx Variant Classification Process June 2021. Collection method: clinical testing. Allele origin: germline. Affected: yes.
Comment: Not observed at a significant frequency in large population cohorts (Lek et al., 2016); In silico analysis supports that this missense variant does not alter protein structure/function; Has not been previously published as pathogenic or benign to our knowledge